The following is an entry in ClinVar:

ClinVar aggregate classification (germline): Uncertain significance (1 of 4 stars; one submission).

Submission:

CeGaT Center for Human Genetics Tuebingen
Classification: Uncertain significance. Last evaluated: 2025-09-01. Review status: criteria provided, single submitter. Criteria: CeGaT Center For Human Genetics Tuebingen Variant Classification Criteria Version 2. Collection method: clinical testing. Allele origin: germline. Affected: yes. Observed: 2 variant alleles.
Comment: DSP: PM2, PP2

NM_004415.4(DSP):c.1826A>C (p.Gln609Pro)

Gene: DSP (desmoplakin; plus strand). Cytogenetic location: 6p24.3.
Variant type: single nucleotide variant.
Coding change: c.1826A>C on transcript NM_004415.4 (MANE Select); coding-DNA position 1826, A replaced by C.
Protein change: p.Gln609Pro; replaces glutamine 609 with proline.
Molecular consequence: missense variant.
Genome position (GRCh38, 1-based): chr6:7,571,507, A>C. VCF-style: chr6-7571507-A-C. GRCh37 (hg19) VCF-style: chr6-7571740-A-C.
Other names: c.1826A>C, p.Gln609Pro (NM_001008844.3, NM_001319034.2); short protein forms Q609P.
Identifiers: ClinVar variation 872492 (VCV000872492.41), dbSNP rs1759051294, ClinGen allele CA362679377.